The following is an entry in ClinVar:

NM_004304.5(ALK):c.1385C>A (p.Ala462Asp)

Gene: ALK (ALK receptor tyrosine kinase; minus strand). Cytogenetic location: 2p23.2.
Variant type: single nucleotide variant.
Coding change: c.1385C>A on transcript NM_004304.5 (MANE Select); coding-DNA position 1385, C replaced by A.
Protein change: p.Ala462Asp; replaces alanine 462 with aspartic acid.
Molecular consequence: missense variant.
Genome position (GRCh38, 1-based): chr2:29,328,379, G>T on the plus strand (C>A on the coding strand, the complement: ALK is on the minus strand). VCF-style: chr2-29328379-G-T. GRCh37 (hg19) VCF-style: chr2-29551245-G-T.
Other names: short protein forms A462D.
Identifiers: ClinVar variation 3653462 (VCV003653462.2).

ClinVar aggregate classification (germline): Uncertain significance (1 of 4 stars; one submission).

Conditions:
Neuroblastoma, susceptibility to, 3. Also called: ALK-Related Neuroblastic Tumor Susceptibility. Identifiers: Orphanet 635, MedGen C2751681, MONDO:0013083, OMIM 613014.

gnomAD v4.1: 1 of 1,614,152 alleles (0.000062%); highest among the groups gnomAD compares: Non-Finnish European, 0.000085%; no homozygotes.

Submission:

Labcorp Genetics (formerly Invitae), Labcorp
Classification: Uncertain significance for Neuroblastoma, susceptibility to, 3. Last evaluated: 2024-05-15. Review status: criteria provided, single submitter. Criteria: Invitae Variant Classification Sherloc (09022015). Collection method: clinical testing. Allele origin: germline.
Comment: This sequence change replaces alanine, which is neutral and non-polar, with aspartic acid, which is acidic and polar, at codon 462 of the ALK protein (p.Ala462Asp). This variant is not present in population databases (gnomAD no frequency). This variant has not been reported in the literature in individuals affected with ALK-related conditions. An algorithm developed to predict the effect of missense changes on protein structure and function (PolyPhen-2) suggests that this variant is likely to be tolerated. In summary, the available evidence is currently insufficient to determine the role of this variant in disease. Therefore, it has been classified as a Variant of Uncertain Significance.